The following is an entry in ClinVar:

ClinVar aggregate classification (germline): Benign/Likely benign. Review status: criteria provided, multiple submitters, no conflicts (2 of 4 stars). 6 submissions from 6 submitters: Benign (4); Likely benign (1). 1 of the submissions does not count toward it. Last evaluated 2026-01-27.

Conditions:
Alkaptonuria (AKU). Also called: Homogentisic acidura; Alkaptonuric ochronosis; Alcaptonuria; HOMOGENTISIC ACID OXIDASE DEFICIENCY. Identifiers: Orphanet 56, MedGen C0002066, MONDO:0008753, OMIM 203500.

Allele frequency attached by ClinVar (database versions not stated): 1000 Genomes Project 0.00439; 1000 Genomes Project 30x 0.00453; TOPMed 0.00506; ESP Exome Variant Server 0.00523.
gnomAD v4.1: 1,223 of 1,605,260 alleles (0.076%); highest among the groups gnomAD compares: African/African-American, 1.5%; 3 homozygotes.

Submissions (6):

Labcorp Genetics (formerly Invitae), Labcorp
Classification: Benign for Alkaptonuria. Last evaluated: 2026-01-27. Review status: criteria provided, single submitter. Criteria: Invitae Variant Classification Sherloc (09022015). Collection method: clinical testing. Allele origin: germline.

Blueprint Genetics
Classification: Likely benign. Last evaluated: 2024-11-13. Review status: criteria provided, single submitter. Criteria: ACMG Guidelines, 2015. Collection method: clinical testing. Allele origin: germline.

Fulgent Genetics
Classification: Benign for Alkaptonuria. Last evaluated: 2021-09-27. Review status: criteria provided, single submitter. Criteria: ACMG Guidelines, 2015. Collection method: clinical testing. Allele origin: unknown.

Illumina Laboratory Services, Illumina
Classification: Benign for Alkaptonuria. Last evaluated: 2018-01-13. Review status: criteria provided, single submitter. Criteria: ICSL Variant Classification Criteria 13 December 2019. Collection method: clinical testing. Allele origin: germline.
Comment: This variant was observed in the ICSL laboratory as part of a predisposition screen in an ostensibly healthy population. It had not been previously curated by ICSL or reported in the Human Gene Mutation Database (HGMD: prior to June 1st, 2018), and was therefore a candidate for classification through an automated scoring system. Utilizing variant allele frequency, disease prevalence and penetrance estimates, and inheritance mode, an automated score was calculated to assess if this variant is too frequent to cause the disease. Based on the score and internal cut-off values, a variant classified as benign is not then subjected to further curation. The score for this variant resulted in a classification of benign for this disease.

Breakthrough Genomics
Classification: Benign. Review status: criteria provided, single submitter. Criteria: ACMG Guidelines, 2015. Collection method: not provided. Allele origin: germline. Inheritance: Autosomal recessive inheritance. Affected: yes.

Department Of Human Genetics, Institute Of Clinical And Translational Research, Biomedical Research Center, Slovak Academy Of Sciences
Classification: Benign for Alkaptonuria. Review status: no assertion criteria provided. Collection method: research. Allele origin: germline. Inheritance: Autosomal recessive inheritance. Affected: yes. Observed: 1 variant allele. Not counted in ClinVar's aggregate classification.
Comment: The variant has been submitted to the HGD gene mutation database (DB-ID: AKU_00192). Minigene splicing experiments showed no effect of this intronic variant (ivs5-11G>A) on splicing, as reported in PMID:30737480.

Literature cited by the submitters: PubMed 30737480 (cited by Department Of Human Genetics, Institute Of Clinical And Translational Research, Biomedical Research Center, Slovak Academy Of Sciences).

NM_000187.4(HGD):c.343-11G>A

Gene: HGD (homogentisate 1,2-dioxygenase; minus strand). Cytogenetic location: 3q13.33.
Variant type: single nucleotide variant.
Coding change: c.343-11G>A on transcript NM_000187.4 (MANE Select); 11 bases into the intron before coding-DNA position 343, G replaced by A.
Molecular consequence: intron variant.
Genome position (GRCh38, 1-based): chr3:120,650,876, C>T on the plus strand (G>A on the coding strand, the complement: HGD is on the minus strand). VCF-style: chr3-120650876-C-T. GRCh37 (hg19) VCF-style: chr3-120369723-C-T.
Identifiers: ClinVar variation 342750 (VCV000342750.13), dbSNP rs143223637, ClinGen allele CA2560237.